The following is an entry in ClinVar:

ClinVar aggregate classification (germline): Uncertain significance. Review status: criteria provided, multiple submitters, no conflicts (2 of 4 stars). 2 submissions from 2 submitters: Uncertain significance (2). Last evaluated 2025-12-29.

Conditions:
Luscan-Lumish syndrome. Identifiers: Orphanet 597738, MedGen C4085873, MONDO:0014791, OMIM 616831.
Inborn genetic diseases. Identifiers: MedGen C0950123, MeSH D030342.

Allele frequency attached by ClinVar (database versions not stated): gnomAD exomes below 0.00001; gnomAD 0.00001 and 0.00003; TOPMed 0.00001.
gnomAD v4.1: 3 of 1,613,536 alleles (0.00019%); highest among the groups gnomAD compares: African/African-American, 0.004%; no homozygotes.

Submissions (2):

Ambry Genetics
Classification: Uncertain significance for Inborn genetic diseases. Last evaluated: 2025-12-29. Review status: criteria provided, single submitter. Criteria: Ambry Variant Classification Scheme 2023. Collection method: clinical testing. Allele origin: germline.

Labcorp Genetics (formerly Invitae), Labcorp
Classification: Uncertain significance for Luscan-Lumish syndrome. Last evaluated: 2020-09-09. Review status: criteria provided, single submitter. Criteria: Invitae Variant Classification Sherloc (09022015). Collection method: clinical testing. Allele origin: germline.
Comment: This variant has not been reported in the literature in individuals with SETD2-related conditions. This sequence change replaces asparagine with threonine at codon 1611 of the SETD2 protein (p.Asn1611Thr). The asparagine residue is highly conserved and there is a small physicochemical difference between asparagine and threonine. This variant is not present in population databases (ExAC no frequency). Algorithms developed to predict the effect of missense changes on protein structure and function are either unavailable or do not agree on the potential impact of this missense change (SIFT: "Deleterious"; PolyPhen-2: "Possibly Damaging"; Align-GVGD: "Class C0"). In summary, the available evidence is currently insufficient to determine the role of this variant in disease. Therefore, it has been classified as a Variant of Uncertain Significance.

NM_014159.7(SETD2):c.4832A>C (p.Asn1611Thr)

Gene: SETD2 (SET domain containing 2, histone lysine methyltransferase; minus strand). Cytogenetic location: 3p21.31.
Variant type: single nucleotide variant.
Coding change: c.4832A>C on transcript NM_014159.7 (MANE Select); coding-DNA position 4832, A replaced by C.
Protein change: p.Asn1611Thr; replaces asparagine 1611 with threonine.
Molecular consequence: missense variant. On other transcripts: non-coding transcript variant (1).
Genome position (GRCh38, 1-based): chr3:47,106,004, T>G on the plus strand (A>C on the coding strand, the complement: SETD2 is on the minus strand). VCF-style: chr3-47106004-T-G. GRCh37 (hg19) VCF-style: chr3-47147494-T-G.
Other names: c.4700A>C, p.Asn1567Thr (NM_001349370.3); c.4832A>C (NM_014159.6); short protein forms N1567T, N1611T.
Identifiers: ClinVar variation 1041378 (VCV001041378.6), dbSNP rs1370286985, ClinGen allele CA352514654.